The following is an entry in ClinVar:

ClinVar aggregate classification (germline): Conflicting classifications of pathogenicity. Review status: criteria provided, conflicting classifications (1 of 4 stars). 5 submissions from 5 submitters: Uncertain significance (1); Likely benign (4). Last evaluated 2026-05-18.

Conditions:
Hereditary spastic paraplegia 30. Identifiers: Orphanet 101010, MedGen C5235139, MONDO:0012476.
Neuropathy, hereditary sensory, type 2C. Also called: Hereditary sensory and autonomic neuropathy type IIC; KIF1A-Related HSAN2 (HSAN2C). Identifiers: Orphanet 970, MedGen C3280168, MONDO:0013634, OMIM 614213.
Intellectual disability, autosomal dominant 9 (NESCAVS). Also called: NESCAV SYNDROME; KIF1A-Related Neurodevelopmental Disorder. Identifiers: Orphanet 662367, MedGen C5393830, MONDO:0013656, OMIM 614255.

Allele frequency attached by ClinVar (database versions not stated): gnomAD 0.00005 and 0.00006; gnomAD exomes 0.00005; ExAC 0.00006; TOPMed 0.00008.
gnomAD v4.1: 90 of 1,590,874 alleles (0.0057%); highest among the groups gnomAD compares: East Asian, 0.014%; no homozygotes.

Submissions (5):

Women's Health and Genetics/Laboratory Corporation of America, LabCorp
Classification: Likely benign. Last evaluated: 2026-05-18. Review status: criteria provided, single submitter. Criteria: LabCorp Variant Classification Summary - May 2015. Collection method: clinical testing. Allele origin: germline.

Labcorp Genetics (formerly Invitae), Labcorp
Classification: Likely benign for Hereditary spastic paraplegia 30; Neuropathy, hereditary sensory, type 2C; Intellectual disability, autosomal dominant 9. Last evaluated: 2025-09-02. Review status: criteria provided, single submitter. Criteria: Invitae Variant Classification Sherloc (09022015). Collection method: clinical testing. Allele origin: germline.

Blueprint Genetics
Classification: Likely benign. Last evaluated: 2024-04-26. Review status: criteria provided, single submitter. Criteria: ACMG Guidelines, 2015. Collection method: clinical testing. Allele origin: germline.

Illumina Laboratory Services, Illumina
Classification: Uncertain significance for Spastic paraplegia 30A, autosomal dominant. Last evaluated: 2018-01-13. Review status: criteria provided, single submitter. Criteria: ICSL Variant Classification Criteria 13 December 2019. Collection method: clinical testing. Allele origin: germline.

GeneDx
Classification: Likely benign. Last evaluated: 2016-05-09. Review status: criteria provided, single submitter. Criteria: GeneDx Variant Classification (06012015). Collection method: clinical testing. Allele origin: germline. Affected: yes.
Comment: This variant is considered likely benign or benign based on one or more of the following criteria: it is a conservative change, it occurs at a poorly conserved position in the protein, it is predicted to be benign by multiple in silico algorithms, and/or has population frequency not consistent with disease.

NM_001244008.2(KIF1A):c.5214+14C>T

Gene: KIF1A (kinesin family member 1A; minus strand). Cytogenetic location: 2q37.3.
Variant type: single nucleotide variant.
Coding change: c.5214+14C>T on transcript NM_001244008.2 (MANE Select); 14 bases into the intron after coding-DNA position 5214, C replaced by T.
Molecular consequence: intron variant.
Genome position (GRCh38, 1-based): chr2:240,718,992, G>A on the plus strand (C>T on the coding strand, the complement: KIF1A is on the minus strand). VCF-style: chr2-240718992-G-A. GRCh37 (hg19) VCF-style: chr2-241658409-G-A.
Other names: c.4911+14C>T (NM_001379653.1, NM_001379650.1, NM_004321.8 and 1 more transcripts); c.5187+14C>T (NM_001379645.1, NM_001379633.1); c.5037+14C>T (NM_001379635.1, NM_001379646.1); c.4908+14C>T (NM_001379640.1); c.4875+50C>T (NM_001379641.1); c.4935+14C>T (NM_001379639.1); c.4938+14C>T (NM_001379649.1, NM_001320705.2); c.5025+14C>T (NM_001379636.1); and 8 more.
Identifiers: ClinVar variation 385720 (VCV000385720.14), dbSNP rs777141916, ClinGen allele CA2207153.